The following is an entry in ClinVar:

NM_015404.4(WHRN):c.716C>T (p.Pro239Leu)

Gene: WHRN (whirlin; minus strand). Cytogenetic location: 9q32.
Variant type: single nucleotide variant.
Coding change: c.716C>T on transcript NM_015404.4 (MANE Select); coding-DNA position 716, C replaced by T.
Protein change: p.Pro239Leu; replaces proline 239 with leucine.
Molecular consequence: missense variant. On other transcripts: 5 prime UTR variant (1).
Genome position (GRCh38, 1-based): chr9:114,478,674, G>A on the plus strand (C>T on the coding strand, the complement: WHRN is on the minus strand). VCF-style: chr9-114478674-G-A. GRCh37 (hg19) VCF-style: chr9-117240954-G-A.
Other names: c.-434C>T (NM_001083885.3); c.716C>T, p.Pro239Leu (NM_001173425.2); c.716C>T (NM_015404.3); short protein forms P239L.
Identifiers: ClinVar variation 289615 (VCV000289615.8), dbSNP rs180882127, ClinGen allele CA5206212.
Genomic context (GRCh38, chr9:114,478,674, plus strand): 5'-CTCAGGGCACCACCGTGGGGCTGGGGCAGGCCCGAGGGTGGGGAGATGCTGCGGCCCTGC[G>A]GGTCCACCCAGGTGTAGATGTGGTTGGTGACGTAGCCCCCAGGGATGCGCCCTGCTGAGT-3'
Protein context (NP_056219.3, residues 229-249): VTNHIYTWVD[Pro239Leu]QGRSISPPSG

ClinVar aggregate classification (germline): Uncertain significance. Review status: criteria provided, multiple submitters, no conflicts (2 of 4 stars). 3 submissions from 3 submitters: Uncertain significance (3). Last evaluated 2024-10-25.

Conditions:
Inborn genetic diseases. Identifiers: MedGen C0950123, MeSH D030342.

Allele frequency attached by ClinVar (database versions not stated): gnomAD exomes 0.00005; TOPMed 0.00005; ExAC 0.00006; 1000 Genomes Project 0.00040; 1000 Genomes Project 30x 0.00047.

Submissions (3):

Labcorp Genetics (formerly Invitae), Labcorp
Classification: Uncertain significance. Last evaluated: 2024-10-25. Review status: criteria provided, single submitter. Criteria: Invitae Variant Classification Sherloc (09022015). Collection method: clinical testing. Allele origin: germline.
Comment: This sequence change replaces proline, which is neutral and non-polar, with leucine, which is neutral and non-polar, at codon 239 of the WHRN protein (p.Pro239Leu). This variant is present in population databases (rs180882127, gnomAD 0.07%). This variant has not been reported in the literature in individuals affected with WHRN-related conditions. ClinVar contains an entry for this variant (Variation ID: 289615). An algorithm developed to predict the effect of missense changes on protein structure and function (PolyPhen-2) suggests that this variant is likely to be disruptive. In summary, the available evidence is currently insufficient to determine the role of this variant in disease. Therefore, it has been classified as a Variant of Uncertain Significance.

Ambry Genetics
Classification: Uncertain significance for Inborn genetic diseases. Last evaluated: 2021-09-16. Review status: criteria provided, single submitter. Criteria: Ambry Variant Classification Scheme 2023. Collection method: clinical testing. Allele origin: germline.

Eurofins Ntd Llc (ga)
Classification: Uncertain significance. Last evaluated: 2016-08-16. Review status: criteria provided, single submitter. Criteria: EGL Classification Definitions 2015. Collection method: clinical testing. Allele origin: germline. Observed: 1 variant allele, 1 heterozygote.